The following is an entry in ClinVar:

NM_004655.4(AXIN2):c.558C>T (p.Ala186=)

Gene: AXIN2 (axin 2; minus strand). Cytogenetic location: 17q24.1.
Variant type: single nucleotide variant.
Coding change: c.558C>T on transcript NM_004655.4 (MANE Select); coding-DNA position 558, C replaced by T.
Protein change: p.Ala186=; no amino-acid change (alanine 186 retained).
Molecular consequence: synonymous variant.
Genome position (GRCh38, 1-based): chr17:65,558,063, G>A on the plus strand (C>T on the coding strand, the complement: AXIN2 is on the minus strand). VCF-style: chr17-65558063-G-A. GRCh37 (hg19) VCF-style: chr17-63554181-G-A.
Other names: c.558C>T, p.Ala186= (NM_001363813.1).
Identifiers: ClinVar variation 761751 (VCV000761751.15), dbSNP rs1598119456, ClinGen allele CA501691735.
Genomic context (GRCh38, chr17:65,558,063, plus strand): 5'-GTTTTCTCCCCCACTCCTCACATATTCGAGGTATATATCAGAAGTCAAAAACATCTGGTA[G>A]GCATTTTCCTCCATCACCGACTGGATCTCGGTCTGCGCCTGGTCAAACATGATGGAATCA-3'
Protein context (NP_004646.3, residues 176-196): TEIQSVMEEN[Ala186=]YQMFLTSDIY

ClinVar aggregate classification (germline): Conflicting classifications of pathogenicity. Review status: criteria provided, conflicting classifications (1 of 4 stars). 4 submissions from 4 submitters: Uncertain significance (1); Benign (1); Likely benign (2). Last evaluated 2024-06-27.

Conditions:
Hereditary cancer-predisposing syndrome. Also called: Tumor predisposition; Neoplastic Syndromes, Hereditary; Hereditary Cancer Syndrome; Hereditary neoplastic syndrome. Identifiers: Orphanet 140162, MedGen C0027672, MeSH D009386, MONDO:0015356.
Oligodontia-cancer predisposition syndrome. Also called: TOOTH AGENESIS-COLORECTAL CANCER SYNDROME. Identifiers: Orphanet 300576, MedGen C1837750, MONDO:0012075, OMIM 608615. Disease mechanism: loss of function.

Allele frequency attached by ClinVar (database versions not stated): gnomAD exomes below 0.00001; TOPMed below 0.00001; gnomAD 0.00001.
gnomAD v4.1: 2 of 1,613,900 alleles (0.00012%); highest among the groups gnomAD compares: African/African-American, 0.0013%; no homozygotes.

Submissions (4):

Myriad Genetics, Inc.
Classification: Benign for Oligodontia-cancer predisposition syndrome. Last evaluated: 2024-06-27. Review status: criteria provided, single submitter. Criteria: Myriad Autosomal Dominant, Autosomal Recessive and X-Linked Classification Criteria (2023). Collection method: clinical testing. Allele origin: unknown.
Comment: This variant is considered benign. This variant is a silent/synonymous amino acid change and it is not expected to impact splicing.

Labcorp Genetics (formerly Invitae), Labcorp
Classification: Likely benign for Oligodontia-cancer predisposition syndrome. Last evaluated: 2023-12-02. Review status: criteria provided, single submitter. Criteria: Invitae Variant Classification Sherloc (09022015). Collection method: clinical testing. Allele origin: germline.

Sema4
Classification: Uncertain significance for Hereditary cancer-predisposing syndrome. Last evaluated: 2021-09-15. Review status: criteria provided, single submitter. Criteria: Sema4 Curation Guidelines. Collection method: curation. Allele origin: germline.
Comment: The AXIN2 c.558C>T (p.A186=) variant has not been reported in the literature to our knowledge. It was not observed in the large and broad cohorts of the Genome Aggregation Database (PMID: 32461654). This variant has been reported in ClinVar (Variation ID 761751). The evidence is insufficient to meet ACMG/AMP criteria for classifying the variant as benign or pathogenic. Thus, the clinical significance of this variant is currently uncertain.

Ambry Genetics
Classification: Likely benign for Hereditary cancer-predisposing syndrome. Last evaluated: 2020-09-16. Review status: criteria provided, single submitter. Criteria: Ambry Variant Classification Scheme 2023. Collection method: clinical testing. Allele origin: germline.